The following is an entry in ClinVar:

NM_020461.4(TUBGCP6):c.2020G>A (p.Ala674Thr)

Gene: TUBGCP6 (tubulin gamma complex component 6; minus strand). Cytogenetic location: 22q13.33.
Variant type: single nucleotide variant.
Coding change: c.2020G>A on transcript NM_020461.4 (MANE Select); coding-DNA position 2020, G replaced by A.
Protein change: p.Ala674Thr; replaces alanine 674 with threonine.
Molecular consequence: missense variant.
Genome position (GRCh38, 1-based): chr22:50,224,556, C>T on the plus strand (G>A on the coding strand, the complement: TUBGCP6 is on the minus strand). VCF-style: chr22-50224556-C-T. GRCh37 (hg19) VCF-style: chr22-50662985-C-T.
Other names: short protein forms A674T.
Identifiers: ClinVar variation 1371653 (VCV001371653.5), dbSNP rs886572168, ClinGen allele CA325464231.

ClinVar aggregate classification (germline): Uncertain significance. Review status: criteria provided, multiple submitters, no conflicts (2 of 4 stars). 2 submissions from 2 submitters: Uncertain significance (2). Last evaluated 2022-11-08.

Allele frequency attached by ClinVar (database versions not stated): gnomAD exomes below 0.00001 and 0.00001; gnomAD 0.00001.
gnomAD v4.1: 5 of 1,614,010 alleles (0.00031%); highest among the groups gnomAD compares: Admixed American, 0.0017%; no homozygotes.

Submissions (2):

Labcorp Genetics (formerly Invitae), Labcorp
Classification: Uncertain significance. Last evaluated: 2022-11-08. Review status: criteria provided, single submitter. Criteria: Invitae Variant Classification Sherloc (09022015). Collection method: clinical testing. Allele origin: germline.
Comment: In summary, the available evidence is currently insufficient to determine the role of this variant in disease. Therefore, it has been classified as a Variant of Uncertain Significance. Algorithms developed to predict the effect of missense changes on protein structure and function (SIFT, PolyPhen-2, Align-GVGD) all suggest that this variant is likely to be tolerated. ClinVar contains an entry for this variant (Variation ID: 1371653). This variant has not been reported in the literature in individuals affected with TUBGCP6-related conditions. The frequency data for this variant in the population databases is considered unreliable, as metrics indicate poor data quality at this position in the gnomAD database. This sequence change replaces alanine, which is neutral and non-polar, with threonine, which is neutral and polar, at codon 674 of the TUBGCP6 protein (p.Ala674Thr).

Breakthrough Genomics
Classification: Uncertain significance. Review status: criteria provided, single submitter. Criteria: ACMG Guidelines, 2015. Collection method: not provided. Allele origin: germline. Inheritance: Autosomal dominant inheritance. Affected: yes.